The following is an entry in ClinVar:

ClinVar aggregate classification (germline): Likely benign (1 of 4 stars; one submission).

Allele frequency attached by ClinVar (database versions not stated): ExAC 0.00001.

Submission:

GeneDx
Classification: Likely benign. Last evaluated: 2016-12-22. Review status: criteria provided, single submitter. Criteria: GeneDx Variant Classification (06012015). Collection method: clinical testing. Allele origin: germline. Affected: yes.
Comment: This variant is considered likely benign or benign based on one or more of the following criteria: it is a conservative change, it occurs at a poorly conserved position in the protein, it is predicted to be benign by multiple in silico algorithms, and/or has population frequency not consistent with disease.

NM_001371279.1(REEP1):c.182+16G>T

Gene: REEP1 (receptor accessory protein 1; minus strand). Cytogenetic location: 2p11.2.
Variant type: single nucleotide variant.
Coding change: c.182+16G>T on transcript NM_001371279.1 (MANE Select); 16 bases into the intron after coding-DNA position 182, G replaced by T.
Molecular consequence: intron variant.
Genome position (GRCh38, 1-based): chr2:86,263,949, C>A on the plus strand (G>T on the coding strand, the complement: REEP1 is on the minus strand). VCF-style: chr2-86263949-C-A. GRCh37 (hg19) VCF-style: chr2-86491072-C-A.
Other names: c.203+16G>T (NM_001164730.2); c.101+16G>T (NM_001164731.2); c.182+16G>T (NM_001164732.2, NM_001371280.1, NM_022912.3).
Identifiers: ClinVar variation 391672 (VCV000391672.1), dbSNP rs760434437, ClinGen allele CA1748806.